The following is an entry in ClinVar:

ClinVar aggregate classification (germline): Uncertain significance. Review status: criteria provided, multiple submitters, no conflicts (2 of 4 stars). 2 submissions from 2 submitters: Uncertain significance (2). Last evaluated 2023-05-14.

Conditions:
Inborn genetic diseases. Identifiers: MedGen C0950123, MeSH D030342.

Allele frequency attached by ClinVar (database versions not stated): ExAC 0.00002; gnomAD exomes 0.00002; TOPMed 0.00003; gnomAD 0.00006; ESP Exome Variant Server 0.00008.
gnomAD v4.1: 43 of 1,613,140 alleles (0.0027%); highest among the groups gnomAD compares: Non-Finnish European, 0.0034%; no homozygotes.

Submissions (2):

Labcorp Genetics (formerly Invitae), Labcorp
Classification: Uncertain significance. Last evaluated: 2023-05-14. Review status: criteria provided, single submitter. Criteria: Invitae Variant Classification Sherloc (09022015). Collection method: clinical testing. Allele origin: germline.
Comment: This variant is present in population databases (rs368237865, gnomAD 0.004%). This sequence change replaces valine, which is neutral and non-polar, with isoleucine, which is neutral and non-polar, at codon 71 of the TBXA2R protein (p.Val71Ile). Advanced modeling of protein sequence and biophysical properties (such as structural, functional, and spatial information, amino acid conservation, physicochemical variation, residue mobility, and thermodynamic stability) performed at Invitae indicates that this missense variant is expected to disrupt TBXA2R protein function. This variant has not been reported in the literature in individuals affected with TBXA2R-related conditions. ClinVar contains an entry for this variant (Variation ID: 2384636). In summary, the available evidence is currently insufficient to determine the role of this variant in disease. Therefore, it has been classified as a Variant of Uncertain Significance.

Ambry Genetics
Classification: Uncertain significance for Inborn genetic diseases. Last evaluated: 2022-07-26. Review status: criteria provided, single submitter. Criteria: Ambry Variant Classification Scheme 2023. Collection method: clinical testing. Allele origin: germline.

NM_001060.6(TBXA2R):c.211G>A (p.Val71Ile)

Gene: TBXA2R (thromboxane A2 receptor; minus strand). Cytogenetic location: 19p13.3.
Variant type: single nucleotide variant.
Coding change: c.211G>A on transcript NM_001060.6 (MANE Select); coding-DNA position 211, G replaced by A.
Protein change: p.Val71Ile; replaces valine 71 with isoleucine.
Molecular consequence: missense variant.
Genome position (GRCh38, 1-based): chr19:3,600,424, C>T on the plus strand (G>A on the coding strand, the complement: TBXA2R is on the minus strand). VCF-style: chr19-3600424-C-T. GRCh37 (hg19) VCF-style: chr19-3600422-C-T.
Other names: c.211G>A, p.Val71Ile (NM_201636.3); short protein forms V71I.
Identifiers: ClinVar variation 2384636 (VCV002384636.5), dbSNP rs368237865, ClinGen allele CA9080902.